The following is an entry in ClinVar:

ClinVar aggregate classification (germline): Uncertain significance (1 of 4 stars; one submission).

Submission:

GeneDx
Classification: Uncertain significance. Last evaluated: 2024-10-22. Review status: criteria provided, single submitter. Criteria: GeneDx Variant Classification Process June 2021. Collection method: clinical testing. Allele origin: germline. Affected: yes.
Comment: Not observed at significant frequency in large population cohorts (gnomAD); In silico analysis indicates that this missense variant does not alter protein structure/function; Has not been previously published as pathogenic or benign to our knowledge

NM_001379451.1(BCORL1):c.325G>C (p.Glu109Gln)

Gene: BCORL1 (BCL6 corepressor like 1; plus strand). Cytogenetic location: Xq26.1.
Variant type: single nucleotide variant.
Coding change: c.325G>C on transcript NM_001379451.1 (MANE Select); coding-DNA position 325, G replaced by C.
Protein change: p.Glu109Gln; replaces glutamic acid 109 with glutamine.
Molecular consequence: missense variant.
Genome position (GRCh38, 1-based): chrX:130,013,097, G>C. VCF-style: chrX-130013097-G-C. GRCh37 (hg19) VCF-style: chrX-129147073-G-C.
Other names: c.325G>C, p.Glu109Gln (NM_001184772.3, NM_001379450.1, NM_021946.5); short protein forms E109Q.
Identifiers: ClinVar variation 3893535 (VCV003893535.1).